The following is an entry in ClinVar:

NM_003072.5(SMARCA4):c.1879A>T (p.Ile627Phe)

Gene: SMARCA4 (SWI/SNF related BAF chromatin remodeling complex subunit ATPase 4; plus strand). Cytogenetic location: 19p13.2.
Variant type: single nucleotide variant.
Coding change: c.1879A>T on transcript NM_003072.5 (MANE Select); coding-DNA position 1879, A replaced by T.
Protein change: p.Ile627Phe; replaces isoleucine 627 with phenylalanine.
Molecular consequence: missense variant. On other transcripts: non-coding transcript variant (1).
Genome position (GRCh38, 1-based): chr19:11,003,095, A>T. VCF-style: chr19-11003095-A-T. GRCh37 (hg19) VCF-style: chr19-11113771-A-T.
Other names: c.1879A>T, p.Ile627Phe (NM_001128844.3, NM_001128845.2, NM_001128846.2 and 6 more transcripts); short protein forms I627F.
Identifiers: ClinVar variation 4549223 (VCV004549223.1).

ClinVar aggregate classification (germline): Uncertain significance (1 of 4 stars; one submission).

Conditions:
Hereditary cancer-predisposing syndrome. Also called: Tumor predisposition; Hereditary Cancer Syndrome; Hereditary neoplastic syndrome; Neoplastic Syndromes, Hereditary. Identifiers: Orphanet 140162, MedGen C0027672, MeSH D009386, MONDO:0015356.

Submission:

Ambry Genetics
Classification: Uncertain significance for Hereditary cancer-predisposing syndrome. Last evaluated: 2025-09-25. Review status: criteria provided, single submitter. Criteria: Ambry Variant Classification Scheme 2023. Collection method: clinical testing. Allele origin: germline.
Comment: The p.I627F variant (also known as c.1879A>T), located in coding exon 11 of the SMARCA4 gene, results from an A to T substitution at nucleotide position 1879. The isoleucine at codon 627 is replaced by phenylalanine, an amino acid with highly similar properties. This amino acid position is conserved. In addition, the in silico prediction for this alteration is inconclusive. Based on the available evidence, the clinical significance of this variant remains unclear.